The following is an entry in ClinVar:

NM_001830.4(CLCN4):c.311T>G (p.Leu104Arg)

Gene: CLCN4 (chloride voltage-gated channel 4; plus strand). Cytogenetic location: Xp22.2.
Variant type: single nucleotide variant.
Coding change: c.311T>G on transcript NM_001830.4 (MANE Select); coding-DNA position 311, T replaced by G.
Protein change: p.Leu104Arg; replaces leucine 104 with arginine.
Molecular consequence: missense variant.
Genome position (GRCh38, 1-based): chrX:10,194,977, T>G. VCF-style: chrX-10194977-T-G. GRCh37 (hg19) VCF-style: chrX-10163017-T-G.
Other names: c.29T>G, p.Leu10Arg (NM_001256944.2); short protein forms L104R, L10R.
Identifiers: ClinVar variation 4537597 (VCV004537597.1).

ClinVar aggregate classification (germline): Uncertain significance (1 of 4 stars; one submission).

gnomAD v4.1: 1 of 1,209,668 alleles (0.000083%); highest among the groups gnomAD compares: Non-Finnish European, 0.00011%; no homozygotes.

Submission:

GeneDx
Classification: Uncertain significance. Last evaluated: 2025-06-12. Review status: criteria provided, single submitter. Criteria: GeneDx Variant Classification Process June 2021. Collection method: clinical testing. Allele origin: germline. Affected: yes.
Comment: Not observed at significant frequency in large population cohorts (gnomAD); In silico analysis suggests that this missense variant does not alter protein structure/function; Has not been previously published as pathogenic or benign to our knowledge